The following is an entry in ClinVar:

NM_024589.3(ROGDI):c.532C>T (p.Arg178Trp)

Gene: ROGDI (rogdi atypical leucine zipper; minus strand). Cytogenetic location: 16p13.3.
Variant type: single nucleotide variant.
Coding change: c.532C>T on transcript NM_024589.3 (MANE Select); coding-DNA position 532, C replaced by T.
Protein change: p.Arg178Trp; replaces arginine 178 with tryptophan.
Molecular consequence: missense variant. On other transcripts: non-coding transcript variant (1).
Genome position (GRCh38, 1-based): chr16:4,798,184, G>A on the plus strand (C>T on the coding strand, the complement: ROGDI is on the minus strand). VCF-style: chr16-4798184-G-A. GRCh37 (hg19) VCF-style: chr16-4848185-G-A.
Other names: c.532C>T (NM_024589.1); short protein forms R178W.
Identifiers: ClinVar variation 2199857 (VCV002199857.2), dbSNP rs566665742, ClinGen allele CA7882651.

ClinVar aggregate classification (germline): Uncertain significance. Review status: criteria provided, multiple submitters, no conflicts (2 of 4 stars). 2 submissions from 2 submitters: Uncertain significance (2). Last evaluated 2024-02-13.

Conditions:
Inborn genetic diseases. Identifiers: MedGen C0950123, MeSH D030342.
Amelocerebrohypohidrotic syndrome (KTZS). Also called: EPILEPSY AND YELLOW TEETH; EPILEPSY, DEMENTIA, AND AMELOGENESIS IMPERFECTA; KOHLSCHUTTER SYNDROME; Kohlschutter's syndrome. Identifiers: Orphanet 1946, MedGen C0406740, MONDO:0009185, OMIM 226750.

Allele frequency attached by ClinVar (database versions not stated): ExAC 0.00002; gnomAD 0.00002; gnomAD exomes 0.00002; TOPMed 0.00002; 1000 Genomes Project 30x 0.00016; 1000 Genomes Project 0.00020.
gnomAD v4.1: 37 of 1,611,958 alleles (0.0023%); highest among the groups gnomAD compares: South Asian, 0.028%; no homozygotes.

Submissions (2):

Ambry Genetics
Classification: Uncertain significance for Inborn genetic diseases. Last evaluated: 2024-02-13. Review status: criteria provided, single submitter. Criteria: Ambry Variant Classification Scheme 2023. Collection method: clinical testing. Allele origin: germline.

Labcorp Genetics (formerly Invitae), Labcorp
Classification: Uncertain significance for Amelocerebrohypohidrotic syndrome. Last evaluated: 2022-05-28. Review status: criteria provided, single submitter. Criteria: Invitae Variant Classification Sherloc (09022015). Collection method: clinical testing. Allele origin: germline.
Comment: This sequence change replaces arginine, which is basic and polar, with tryptophan, which is neutral and slightly polar, at codon 178 of the ROGDI protein (p.Arg178Trp). This variant is present in population databases (rs566665742, gnomAD 0.02%). This variant has not been reported in the literature in individuals affected with ROGDI-related conditions. Algorithms developed to predict the effect of missense changes on protein structure and function (SIFT, PolyPhen-2, Align-GVGD) all suggest that this variant is likely to be disruptive. In summary, the available evidence is currently insufficient to determine the role of this variant in disease. Therefore, it has been classified as a Variant of Uncertain Significance.